The following is an entry in ClinVar:

NM_001242957.3(MAK):c.1244del (p.Phe415fs)

Gene: MAK (male germ cell associated kinase; minus strand). Cytogenetic location: 6p24.2.
Variant type: Deletion.
Coding change: c.1244del on transcript NM_001242957.3 (MANE Select); coding-DNA position 1244, one base deleted (T; older notation c.1244delT).
Protein change: p.Phe415fs; shifts the reading frame from phenylalanine 415.
Molecular consequence: frameshift variant. On other transcripts: non-coding transcript variant (2).
Genome position (GRCh38, 1-based): chr6:10,791,747, A deleted on the plus strand (T on the coding strand, the reverse complement: MAK is on the minus strand); the first of 3 consecutive A bases (chr6:10,791,747-10,791,749); deleting any one gives the same sequence. VCF-style (leftmost placement, unchanged base first): chr6-10791746-GA-G. GRCh37 (hg19) VCF-style: chr6-10791979-GA-G.
Other names: c.1244del, p.Phe415fs (NM_001242385.2, NM_005906.6); c.1142del, p.Phe381fs (NM_001377262.1); short protein forms F415fs, F381fs.
Identifiers: ClinVar variation 3669210 (VCV003669210.2).

ClinVar aggregate classification (germline): Pathogenic (1 of 4 stars; one submission).

Submission:

Labcorp Genetics (formerly Invitae), Labcorp
Classification: Pathogenic. Last evaluated: 2024-02-12. Review status: criteria provided, single submitter. Criteria: Invitae Variant Classification Sherloc (09022015). Collection method: clinical testing. Allele origin: germline.
Comment: This sequence change creates a premature translational stop signal (p.Phe415Serfs*50) in the MAK gene. It is expected to result in an absent or disrupted protein product. Loss-of-function variants in MAK are known to be pathogenic (PMID: 21148103, 21825139, 24938718, 29781741). This variant is not present in population databases (gnomAD no frequency). This variant has not been reported in the literature in individuals affected with MAK-related conditions. For these reasons, this variant has been classified as Pathogenic.

Literature cited by the submitters: PubMed 21148103; PubMed 21825139; PubMed 24938718; PubMed 29781741.